The following is an entry in ClinVar:

NM_001079866.2(BCS1L):c.460+11del

Gene: BCS1L (BCS1 ubiquinol-cytochrome c reductase complex chaperone; plus strand). Cytogenetic location: 2q35.
Variant type: Deletion.
Coding change: c.460+11del on transcript NM_001079866.2 (MANE Select); 11 bases into the intron after coding-DNA position 460, one base deleted (G; older notation c.460+11delG).
Molecular consequence: intron variant.
Genome position (GRCh38, 1-based): chr2:218,661,556, G deleted; the last of 2 consecutive G bases (chr2:218,661,555-218,661,556); deleting either gives the same sequence. VCF-style (leftmost placement, unchanged base first): chr2-218661554-TG-T. GRCh37 (hg19) VCF-style: chr2-219526277-TG-T.
Other names: c.460+11del (NM_001374085.1, NM_001371446.1, NM_001371450.1 and 10 more transcripts); c.-42+36del (NM_001374086.1, NM_001371454.1, NM_001371453.1 and 2 more transcripts); c.100+11del (NM_001371451.1, NM_001318836.2); c.-41-203del (NM_001371452.1); c.460+11delG (NM_004328.4).
Identifiers: ClinVar variation 420719 (VCV000420719.10), dbSNP rs756708393, ClinGen allele CA2109667.
Genomic context (GRCh38, chr2:218,661,554, plus strand): 5'-TTCACGGCCCTGGGCACTGACCGAAAGGTTTTCTTCAACATCCTGGAGGAAGGTGTGGGA[TG>T]GCACAGGCAGGCTTTCTAGGGACATTGCAGGGATGGGGACATTTGACATCAGATGAGCAG-3'

ClinVar aggregate classification (germline): Likely benign. Review status: criteria provided, multiple submitters, no conflicts (2 of 4 stars). 3 submissions from 3 submitters: Likely benign (3). Last evaluated 2023-11-10.

Conditions:
Pili torti-deafness syndrome (BJS). Also called: Bjornstad syndrome; PILI TORTI AND NERVE DEAFNESS. Identifiers: Orphanet 123, MedGen C0266006, MONDO:0009872, OMIM 262000.
GRACILE syndrome (FLNMS). Also called: FELLMAN SYNDROME; FINNISH LETHAL NEONATAL METABOLIC SYNDROME. Identifiers: Orphanet 53693, MedGen C1864002, MONDO:0011308, OMIM 603358.
Mitochondrial complex III deficiency nuclear type 1. Identifiers: Orphanet 254902, MedGen C3541471, MONDO:0007415, OMIM 124000.

Submissions (3):

Labcorp Genetics (formerly Invitae), Labcorp
Classification: Likely benign. Last evaluated: 2023-11-10. Review status: criteria provided, single submitter. Criteria: Invitae Variant Classification Sherloc (09022015). Collection method: clinical testing. Allele origin: germline.

Fulgent Genetics
Classification: Likely benign for Mitochondrial complex III deficiency nuclear type 1; Pili torti-deafness syndrome; GRACILE syndrome. Last evaluated: 2021-12-04. Review status: criteria provided, single submitter. Criteria: ACMG Guidelines, 2015. Collection method: clinical testing. Allele origin: unknown.

GeneDx
Classification: Likely benign. Last evaluated: 2016-04-21. Review status: criteria provided, single submitter. Criteria: GeneDx Variant Classification (06012015). Collection method: clinical testing. Allele origin: germline. Affected: yes.
Comment: This variant is considered likely benign or benign based on one or more of the following criteria: it is a conservative change, it occurs at a poorly conserved position in the protein, it is predicted to be benign by multiple in silico algorithms, and/or has population frequency not consistent with disease.